The following is an entry in ClinVar:

NM_001197104.2(KMT2A):c.1450G>A (p.Val484Ile)

Gene: KMT2A (lysine methyltransferase 2A; plus strand). Cytogenetic location: 11q23.3.
Variant type: single nucleotide variant.
Coding change: c.1450G>A on transcript NM_001197104.2 (MANE Select); coding-DNA position 1450, G replaced by A.
Protein change: p.Val484Ile; replaces valine 484 with isoleucine.
Molecular consequence: missense variant.
Genome position (GRCh38, 1-based): chr11:118,472,609, G>A. VCF-style: chr11-118472609-G-A. GRCh37 (hg19) VCF-style: chr11-118343324-G-A.
Other names: c.1549G>A, p.Val517Ile (NM_001412597.1); c.1450G>A, p.Val484Ile (NM_005933.4); short protein forms V484I, V517I.
Identifiers: ClinVar variation 1933601 (VCV001933601.5), dbSNP rs560915401, ClinGen allele CA229521309.
Genomic context (GRCh38, chr11:118,472,609, plus strand): 5'-GCAGCTTCTCAGCACTCCTCTCAAATGTCTTCAGACTCCTCTCGATCTAGTAGCCCCAGT[G>A]TTGATACCTCCACAGACTCTCAGGCTTCTGAGGAGATTCAGGTACTTCCTGAGGAGCGGA-3'
Protein context (NP_001184033.1, residues 474-494): SDSSRSSSPS[Val484Ile]DTSTDSQASE

ClinVar aggregate classification (germline): Uncertain significance (1 of 4 stars; one submission).

Allele frequency attached by ClinVar (database versions not stated): gnomAD exomes below 0.00001; gnomAD 0.00002; TOPMed 0.00002; 1000 Genomes Project 30x 0.00016; 1000 Genomes Project 0.00020.
gnomAD v4.1: 5 of 1,611,862 alleles (0.00031%); highest among the groups gnomAD compares: East Asian, 0.0067%; no homozygotes.

Submission:

Labcorp Genetics (formerly Invitae), Labcorp
Classification: Uncertain significance. Last evaluated: 2024-02-24. Review status: criteria provided, single submitter. Criteria: Invitae Variant Classification Sherloc (09022015). Collection method: clinical testing. Allele origin: germline.
Comment: This sequence change replaces valine, which is neutral and non-polar, with isoleucine, which is neutral and non-polar, at codon 484 of the KMT2A protein (p.Val484Ile). This variant is present in population databases (rs560915401, gnomAD 0.01%). This variant has not been reported in the literature in individuals affected with KMT2A-related conditions. ClinVar contains an entry for this variant (Variation ID: 1933601). Advanced modeling of protein sequence and biophysical properties (such as structural, functional, and spatial information, amino acid conservation, physicochemical variation, residue mobility, and thermodynamic stability) performed at Invitae indicates that this missense variant is not expected to disrupt KMT2A protein function with a negative predictive value of 95%. In summary, the available evidence is currently insufficient to determine the role of this variant in disease. Therefore, it has been classified as a Variant of Uncertain Significance.